The following is an entry in ClinVar:

ClinVar aggregate classification (germline): Pathogenic. Review status: criteria provided, multiple submitters, no conflicts (2 of 4 stars). 8 submissions from 8 submitters: Pathogenic (6). 2 of the submissions do not count toward it. Last evaluated 2026-05-22.

Conditions:
Inborn genetic diseases. Identifiers: MedGen C0950123, MeSH D030342.
CHD7-related CHARGE syndrome. Identifiers: MedGen CN380413, MONDO:1010178, OMIM 214800.
CHARGE syndrome (CHARGE). Also called: CHARGE ASSOCIATION--COLOBOMA, HEART ANOMALY, CHOANAL ATRESIA, RETARDATION, GENITAL AND EAR ANOMALIES; Hittner Hirsch Kreh syndrome; Coloboma, heart anomaly, choanal atresia, retardation, genital and ear anomalies; CHARGE association; Hall-Hittner syndrome. Identifiers: Orphanet 138, MedGen C0265354, MONDO:0008965.

Submissions (8):

Institute of Human Genetics, University of Leipzig Medical Center
Classification: Pathogenic for CHD7-related CHARGE syndrome. Last evaluated: 2026-05-22. Review status: criteria provided, single submitter. Criteria: ACMG Guidelines, 2015. Collection method: clinical testing. Allele origin: unknown. Inheritance: Autosomal dominant inheritance. Affected: yes.
Comment: Criteria applied: PVS1,PM2,PS4_MOD

Labcorp Genetics (formerly Invitae), Labcorp
Classification: Pathogenic for CHARGE syndrome. Last evaluated: 2025-03-20. Review status: criteria provided, single submitter. Criteria: Invitae Variant Classification Sherloc (09022015). Collection method: clinical testing. Allele origin: germline.
Comment: This sequence change creates a premature translational stop signal (p.Arg1494*) in the CHD7 gene. It is expected to result in an absent or disrupted protein product. Loss-of-function variants in CHD7 are known to be pathogenic (PMID: 22461308, 25077900). This variant is not present in population databases (gnomAD no frequency). This premature translational stop signal has been observed in individuals with CHARGE syndrome (PMID: 16615981, 18089695, 21158681). ClinVar contains an entry for this variant (Variation ID: 158296). For these reasons, this variant has been classified as Pathogenic.

GeneDx
Classification: Pathogenic. Last evaluated: 2024-11-26. Review status: criteria provided, single submitter. Criteria: GeneDx Variant Classification Process June 2021. Collection method: clinical testing. Allele origin: germline. Affected: yes.
Comment: Nonsense variant predicted to result in protein truncation or nonsense mediated decay in a gene for which loss of function is a known mechanism of disease; Not observed at significant frequency in large population cohorts (gnomAD); This variant is associated with the following publications: (PMID: 25525159, 17253929, 29440260, 33448881, 35716026, 29300383, 16615981, 31729160)

Ambry Genetics
Classification: Pathogenic for Inborn genetic diseases. Last evaluated: 2017-12-18. Review status: criteria provided, single submitter. Criteria: Ambry Variant Classification Scheme 2023. Collection method: clinical testing. Allele origin: germline.
Comment: The p.R1494* pathogenic mutation (also known as c.4480C>T), located in coding exon 18 of the CHD7 gene, results from a C to T substitution at nucleotide position 4480. This changes the amino acid from an arginine to a stop codon within coding exon 18. This mutation has been identified in multiple individuals with a clinical diagnosis of CHARGE syndrome (Aramaki M et al. J. Pediatr., 2006 Mar;148:410-4; Asakura Y et al. J. Clin. Endocrinol. Metab., 2008 Mar;93:920-4; Fujita K et al. AJNR Am J Neuroradiol, 2009 Mar;30:629-34; Bartels CF et al. Genet Test Mol Biomarkers, 2010 Dec;14:881-91). In addition to the clinical data presented in the literature, this alteration is expected to result in loss of function by premature protein truncation or nonsense-mediated mRNA decay. As such, this alteration is interpreted as a disease-causing mutation.

Genetic Services Laboratory, University of Chicago
Classification: Pathogenic for CHARGE syndrome. Last evaluated: 2013-02-08. Review status: criteria provided, single submitter. Criteria: ACMG Guidelines, 2007. Collection method: clinical testing. Allele origin: germline. Inheritance: Autosomal dominant inheritance. Affected: yes.

Juno Genomics, Hangzhou Juno Genomics, Inc
Classification: Pathogenic for CHD7-related CHARGE syndrome. Review status: criteria provided, single submitter. Criteria: ACMG Guidelines, 2015. Collection method: clinical testing. Allele origin: germline. Affected: yes.
Comment: Null variant in a gene where loss of function (LOF) is a known mechanism of disease.;Absent from controls (or at extremely low frequency if recessive) in Genome Aggregation Database, Exome Sequencing Project, 1000 Genomes Project, or Exome Aggregation Consortium.;The prevalence of the variant in affected individuals is significantly increased compared to the prevalence in controls.;De novo (both maternity and paternity confirmed) in a patient with the disease and no family history.

Sbielas Lab-Department of Human Genetics University of Michigan, University of Michigan Medical School
Classification: Pathogenic for CHD7-related CHARGE syndrome. Last evaluated: 2017-10-27. Review status: no assertion criteria provided. Collection method: research. Allele origin: unknown. Affected: yes. Not counted in ClinVar's aggregate classification.

University of Washington Center for Mendelian Genomics, University of Washington
Classification: Likely pathogenic for CHARGE syndrome. Review status: no assertion criteria provided. Collection method: research. Allele origin: unknown. Affected: yes. Not counted in ClinVar's aggregate classification.

Literature cited by the submitters: PubMed 22461308 (cited by Labcorp Genetics (formerly Invitae), Labcorp); PubMed 25077900 (cited by Labcorp Genetics (formerly Invitae), Labcorp); PubMed 16615981 (cited by Labcorp Genetics (formerly Invitae), Labcorp and Ambry Genetics); PubMed 18089695 (cited by Labcorp Genetics (formerly Invitae), Labcorp and Ambry Genetics); PubMed 21158681 (cited by Labcorp Genetics (formerly Invitae), Labcorp and Ambry Genetics); PubMed 19112063 (cited by Ambry Genetics); PubMed 29300383 (cited by Sbielas Lab-Department of Human Genetics University of Michigan, University of Michigan Medical School and University of Washington Center for Mendelian Genomics, University of Washington).

NM_017780.4(CHD7):c.4480C>T (p.Arg1494Ter)

Gene: CHD7 (chromodomain helicase DNA binding protein 7; plus strand). Cytogenetic location: 8q12.2.
Variant type: single nucleotide variant.
Coding change: c.4480C>T on transcript NM_017780.4 (MANE Select); coding-DNA position 4480, C replaced by T.
Protein change: p.Arg1494Ter; replaces arginine 1494 with a stop codon.
Molecular consequence: nonsense. On other transcripts: intron variant (1).
Genome position (GRCh38, 1-based): chr8:60,838,202, C>T. VCF-style: chr8-60838202-C-T. GRCh37 (hg19) VCF-style: chr8-61750761-C-T.
Other names: c.4480C>T (LRG_176t1); c.1717-24027C>T (NM_001316690.1); short protein forms R1494*.
Identifiers: ClinVar variation 158296 (VCV000158296.22), dbSNP rs587783442, ClinGen allele CA333500.